The following is an entry in ClinVar:

ClinVar aggregate classification (germline): Conflicting classifications of pathogenicity. Review status: criteria provided, conflicting classifications (1 of 4 stars). 5 submissions from 5 submitters: Uncertain significance (3); Likely benign (2). Last evaluated 2026-01-19.

Conditions:
Ehlers-Danlos syndrome, classic type, 1 (EDSCL1). Also called: EHLERS-DANLOS SYNDROME, GRAVIS TYPE; EHLERS-DANLOS SYNDROME, SEVERE CLASSIC TYPE; Ehlers-Danlos syndrome, type 1; Ehlers-Danlos Syndrome, Classic Type, COL5A1-Related; EDS I. Identifiers: MedGen C0268335, MONDO:0019567, OMIM 130000.
Connective tissue disorder. Also called: Connective tissue disease. Identifiers: MedGen C0009782, MONDO:0003900.
Familial thoracic aortic aneurysm and aortic dissection (TAAD). Also called: Thoracic aortic aneurysms and dissections. Identifiers: Orphanet 91387, MedGen C4707243, MONDO:0019625.

Allele frequency attached by ClinVar (database versions not stated): gnomAD 0.00007; ExAC 0.00008; ESP Exome Variant Server 0.00008; TOPMed 0.00008; gnomAD exomes 0.00011.
gnomAD v4.1: 168 of 1,613,528 alleles (0.01%); highest among the groups gnomAD compares: Middle Eastern, 0.033%; no homozygotes.

Submissions (5):

Labcorp Genetics (formerly Invitae), Labcorp
Classification: Likely benign for Ehlers-Danlos syndrome, classic type, 1. Last evaluated: 2026-01-19. Review status: criteria provided, single submitter. Criteria: Invitae Variant Classification Sherloc (09022015). Collection method: clinical testing. Allele origin: germline.

Ambry Genetics
Classification: Uncertain significance for Familial thoracic aortic aneurysm and aortic dissection. Last evaluated: 2025-06-16. Review status: criteria provided, single submitter. Criteria: Ambry Variant Classification Scheme 2023. Collection method: clinical testing. Allele origin: germline.
Comment: The p.D1129N variant (also known as c.3385G>A), located in coding exon 48 of the COL5A2 gene, results from a G to A substitution at nucleotide position 3385. The aspartic acid at codon 1129 is replaced by asparagine, an amino acid with highly similar properties. This alteration was reported in a cohort of subjects with Smith-Magenis-like syndrome who underwent whole exome sequencing (Berger SI et al. Hum Genet, 2017 04;136:409-420). This amino acid position is highly conserved in available vertebrate species. In addition, the in silico prediction for this alteration is inconclusive. Since supporting evidence is limited at this time, the clinical significance of this alteration remains unclear.

Blueprint Genetics
Classification: Likely benign. Last evaluated: 2024-10-10. Review status: criteria provided, single submitter. Criteria: ACMG Guidelines, 2015. Collection method: clinical testing. Allele origin: germline.

GeneDx
Classification: Uncertain significance. Last evaluated: 2023-03-03. Review status: criteria provided, single submitter. Criteria: GeneDx Variant Classification Process June 2021. Collection method: clinical testing. Allele origin: germline. Affected: yes.
Comment: Has not been previously published as pathogenic or benign in association with a connective tissue disorder to our knowledge; In silico analysis supports that this missense variant has a deleterious effect on protein structure/function; This variant is associated with the following publications: (PMID: 28213671)

Center for Human Genetics, Inc
Classification: Uncertain significance for Connective tissue disorder. Last evaluated: 2016-11-01. Review status: criteria provided, single submitter. Criteria: ACMG Guidelines, 2015. Collection method: clinical testing. Allele origin: germline. Affected: yes.

Literature cited by the submitters: PubMed 28213671 (cited by Ambry Genetics).

NM_000393.5(COL5A2):c.3385G>A (p.Asp1129Asn)

Gene: COL5A2 (collagen type V alpha 2 chain; minus strand). Cytogenetic location: 2q32.2.
Variant type: single nucleotide variant.
Coding change: c.3385G>A on transcript NM_000393.5 (MANE Select); coding-DNA position 3385, G replaced by A.
Protein change: p.Asp1129Asn; replaces aspartic acid 1129 with asparagine.
Molecular consequence: missense variant.
Genome position (GRCh38, 1-based): chr2:189,043,237, C>T on the plus strand (G>A on the coding strand, the complement: COL5A2 is on the minus strand). VCF-style: chr2-189043237-C-T. GRCh37 (hg19) VCF-style: chr2-189907963-C-T.
Other names: p.D1129N:GAC>AAC; short protein forms D1129N.
Identifiers: ClinVar variation 213117 (VCV000213117.20), dbSNP rs199802059, ClinGen allele CA322745.